The following is an entry in ClinVar:

ClinVar aggregate classification (germline): Uncertain significance (1 of 4 stars; one submission).

Conditions:
Inborn genetic diseases. Identifiers: MedGen C0950123, MeSH D030342.

Allele frequency attached by ClinVar (database versions not stated): gnomAD 0.00001; gnomAD exomes 0.00001; TOPMed 0.00001.
gnomAD v4.1: 4 of 1,610,686 alleles (0.00025%); highest among the groups gnomAD compares: Non-Finnish European, 0.00034%; no homozygotes.

Submission:

Ambry Genetics
Classification: Uncertain significance for Inborn genetic diseases. Last evaluated: 2023-08-05. Review status: criteria provided, single submitter. Criteria: Ambry Variant Classification Scheme 2023. Collection method: clinical testing. Allele origin: germline.
Comment: The p.K2278E variant (also known as c.6832A>G), located in coding exon 46 of the LRRK2 gene, results from an A to G substitution at nucleotide position 6832. The lysine at codon 2278 is replaced by glutamic acid, an amino acid with similar properties. This amino acid position is conserved. In addition, this alteration is predicted to be tolerated by in silico analysis. Since supporting evidence is limited at this time, the clinical significance of this alteration remains unclear.

NM_198578.4(LRRK2):c.6832A>G (p.Lys2278Glu)

Gene: LRRK2 (leucine rich repeat kinase 2; plus strand). Cytogenetic location: 12q12.
Variant type: single nucleotide variant.
Coding change: c.6832A>G on transcript NM_198578.4 (MANE Select); coding-DNA position 6832, A replaced by G.
Protein change: p.Lys2278Glu; replaces lysine 2278 with glutamic acid.
Molecular consequence: missense variant.
Genome position (GRCh38, 1-based): chr12:40,356,176, A>G. VCF-style: chr12-40356176-A-G. GRCh37 (hg19) VCF-style: chr12-40749978-A-G.
Other names: short protein forms K2278E.
Identifiers: ClinVar variation 1755694 (VCV001755694.3), dbSNP rs979471754, ClinGen allele CA235347706.